The following is an entry in ClinVar:

ClinVar aggregate classification (germline): Uncertain significance (1 of 4 stars; one submission).

Submission:

Women's Health and Genetics/Laboratory Corporation of America, LabCorp
Classification: Uncertain significance. Last evaluated: 2025-10-07. Review status: criteria provided, single submitter. Criteria: LabCorp Variant Classification Summary - May 2015. Collection method: clinical testing. Allele origin: germline.
Comment: Variant summary: PAFAH1B1 c.192+4A>G alters a nucleotide located close to a canonical splice site and therefore could affect mRNA splicing, leading to a significantly altered protein sequence. Several computational tools predict a significant impact on normal splicing: Three predict the variant weakens a 5' donor site. However, these predictions have yet to be confirmed by functional studies. The variant was absent in 205148 control chromosomes. The available data on variant occurrences in the general population are insufficient to allow any conclusion about variant significance. To our knowledge, no occurrence of c.192+4A>G in individuals affected with PAFAH1B1-related conditions and no experimental evidence demonstrating its impact on protein function have been reported. No submitters have cited clinical-significance assessments for this variant to ClinVar. Based on the evidence outlined above, the variant was classified as uncertain significance.

NM_000430.4(PAFAH1B1):c.192+4A>G

Gene: PAFAH1B1 (platelet activating factor acetylhydrolase 1b regulatory subunit 1; plus strand). Cytogenetic location: 17p13.3.
Variant type: single nucleotide variant.
Coding change: c.192+4A>G on transcript NM_000430.4 (MANE Select); 4 bases into the intron after coding-DNA position 192, A replaced by G.
Molecular consequence: intron variant.
Genome position (GRCh38, 1-based): chr17:2,666,094, A>G. VCF-style: chr17-2666094-A-G. GRCh37 (hg19) VCF-style: chr17-2569388-A-G.
Identifiers: ClinVar variation 4687499 (VCV004687499.1).